The following is an entry in ClinVar:

ClinVar aggregate classification (germline): Uncertain significance (1 of 4 stars; one submission).

Conditions:
Primary ciliary dyskinesia. Also called: Ciliary dyskinesia. Identifiers: Orphanet 244, MedGen C0008780, MONDO:0016575, HP:0012265.

gnomAD v4.1: 2 of 1,613,964 alleles (0.00012%); highest among the groups gnomAD compares: Non-Finnish European, 0.00017%; no homozygotes.

Submission:

Labcorp Genetics (formerly Invitae), Labcorp
Classification: Uncertain significance for Primary ciliary dyskinesia. Last evaluated: 2025-05-14. Review status: criteria provided, single submitter. Criteria: Invitae Variant Classification Sherloc (09022015). Collection method: clinical testing. Allele origin: germline.
Comment: This sequence change replaces glutamine, which is neutral and polar, with glutamic acid, which is acidic and polar, at codon 3597 of the DNAH11 protein (p.Gln3597Glu). This variant is not present in population databases (gnomAD no frequency). This missense change has been observed in individual(s) with clinical features of primary ciliary dyskinesia (internal data). In at least one individual the data is consistent with being in trans (on the opposite chromosome) from a pathogenic variant. Invitae Evidence Modeling of protein sequence and biophysical properties (such as structural, functional, and spatial information, amino acid conservation, physicochemical variation, residue mobility, and thermodynamic stability) indicates that this missense variant is not expected to disrupt DNAH11 protein function with a negative predictive value of 95%. In summary, the available evidence is currently insufficient to determine the role of this variant in disease. Therefore, it has been classified as a Variant of Uncertain Significance.

NM_001277115.2(DNAH11):c.10789C>G (p.Gln3597Glu)

Gene: DNAH11 (dynein axonemal heavy chain 11; plus strand). Cytogenetic location: 7p15.3.
Variant type: single nucleotide variant.
Coding change: c.10789C>G on transcript NM_001277115.2 (MANE Select); coding-DNA position 10789, C replaced by G.
Protein change: p.Gln3597Glu; replaces glutamine 3597 with glutamic acid.
Molecular consequence: missense variant.
Genome position (GRCh38, 1-based): chr7:21,842,641, C>G. VCF-style: chr7-21842641-C-G. GRCh37 (hg19) VCF-style: chr7-21882259-C-G.
Other names: short protein forms Q3597E.
Identifiers: ClinVar variation 4811657 (VCV004811657.1).